The following is an entry in ClinVar:

ClinVar aggregate classification (germline): Benign/Likely benign. Review status: criteria provided, multiple submitters, no conflicts (2 of 4 stars). 2 submissions from 2 submitters: Benign (1); Likely benign (1). Last evaluated 2025-06-04.

Conditions:
CREBBP-related disorder. Also called: CREBBP-related disorders; CREBBP-related condition.
Rubinstein-Taybi syndrome (RSTS). Identifiers: Orphanet 783, MedGen C0035934, MONDO:0019188.

Allele frequency attached by ClinVar (database versions not stated): gnomAD exomes 0.00001.
gnomAD v4.1: 3 of 1,613,116 alleles (0.00019%); highest among the groups gnomAD compares: Admixed American, 0.005%; no homozygotes.

Submissions (2):

PreventionGenetics, part of Exact Sciences
Classification: Likely benign for CREBBP-related condition. Last evaluated: 2025-06-04. Review status: criteria provided, single submitter. Criteria: ACMG Guidelines, 2015. Collection method: clinical testing. Allele origin: germline.
Comment: This variant is classified as likely benign based on ACMG/AMP sequence variant interpretation guidelines (Richards et al. 2015 PMID: 25741868, with internal and published modifications).

Labcorp Genetics (formerly Invitae), Labcorp
Classification: Benign for Rubinstein-Taybi syndrome. Last evaluated: 2022-04-16. Review status: criteria provided, single submitter. Criteria: Invitae Variant Classification Sherloc (09022015). Collection method: clinical testing. Allele origin: germline.

NM_004380.3(CREBBP):c.1986A>G (p.Gln662=)

Gene: CREBBP (CREB binding lysine acetyltransferase; minus strand). Cytogenetic location: 16p13.3.
Variant type: single nucleotide variant.
Coding change: c.1986A>G on transcript NM_004380.3 (MANE Select); coding-DNA position 1986, A replaced by G.
Protein change: p.Gln662=; no amino-acid change (glutamine 662 retained).
Molecular consequence: synonymous variant.
Genome position (GRCh38, 1-based): chr16:3,778,138, T>C on the plus strand (A>G on the coding strand, the complement: CREBBP is on the minus strand). VCF-style: chr16-3778138-T-C. GRCh37 (hg19) VCF-style: chr16-3828139-T-C.
Other names: c.1872A>G, p.Gln624= (NM_001079846.1); c.1986A>G (NM_004380.2).
Identifiers: ClinVar variation 2076638 (VCV002076638.5), dbSNP rs1237334824, ClinGen allele CA493276325.